The following is an entry in ClinVar:

NC_000003.11:g.(?_81538849)_(81539615_81548260)del

Gene: GBE1 (1,4-alpha-glucan branching enzyme 1; minus strand). Cytogenetic location: 3p12.2.
Variant type: Deletion.
Identifiers: ClinVar variation 1705072 (VCV001705072.1).

ClinVar aggregate classification (germline): Likely pathogenic (1 of 4 stars; one submission).

Conditions:
Glycogen storage disease, type IV (GSD4). Also called: AMYLOPECTINOSIS; ANDERSEN DISEASE; BRANCHER DEFICIENCY; CIRRHOSIS, FAMILIAL, WITH DEPOSITION OF ABNORMAL GLYCOGEN; GBE1 DEFICIENCY; GLYCOGEN BRANCHING ENZYME DEFICIENCY. Identifiers: Orphanet 367, MedGen C0017923, MONDO:0009292, OMIM 232500.

Submission:

Women's Health and Genetics/Laboratory Corporation of America, LabCorp
Classification: Likely pathogenic for Glycogen storage disease, type IV. Last evaluated: 2022-08-11. Review status: criteria provided, single submitter. Criteria: LabCorp Variant Classification Summary - May 2015. Collection method: clinical testing. Allele origin: germline.
Comment: Variant summary: The variant identified by MLPA or other technology involves the deletion of exon 16 (last exon) in the GBE1 gene. A presumed nomenclature of c.(2052+1_2053-1)_(*709_?)del has been designated for the purposes of this classification. Although exact breakpoints of this deletion are not known, it is expected to result in a large in-frame deletion in the GBE1 gene, a known mechanism of disease. The variant was absent in 21694 control chromosomes (gnomAD SV). c.(2052+1_2053-1)_(*709_?)del has been reported in the literature in individuals affected with Glycogen Storage Disease, Type IV, including at least one homozygote (Raju_2008, Wang_2013). These data indicate that the variant may be associated with disease. To our knowledge, no experimental evidence demonstrating an impact on protein function has been reported. One clinical diagnostic laboratory has submitted clinical-significance assessments for this variant to ClinVar after 2014 without evidence for independent evaluation and classified the variant as pathogenic/likely pathogenic. Based on the evidence outlined above, the variant was classified as likely pathogenic.

Literature cited by the submitters: PubMed 22899091; PubMed 30228975; PubMed 18661138; PubMed 18230843.